The following is an entry in ClinVar:

NM_020693.4(DSCAML1):c.3748T>A (p.Tyr1250Asn)

Gene: DSCAML1 (DS cell adhesion molecule like 1; minus strand). Cytogenetic location: 11q23.3.
Variant type: single nucleotide variant.
Coding change: c.3748T>A on transcript NM_020693.4 (MANE Select); coding-DNA position 3748, T replaced by A.
Protein change: p.Tyr1250Asn; replaces tyrosine 1250 with asparagine.
Molecular consequence: missense variant.
Genome position (GRCh38, 1-based): chr11:117,444,000, A>T on the plus strand (T>A on the coding strand, the complement: DSCAML1 is on the minus strand). VCF-style: chr11-117444000-A-T. GRCh37 (hg19) VCF-style: chr11-117314716-A-T.
Other names: short protein forms Y1250N.
Identifiers: ClinVar variation 4809362 (VCV004809362.1).

ClinVar aggregate classification (germline): Uncertain significance (1 of 4 stars; one submission).

Submission:

Labcorp Genetics (formerly Invitae), Labcorp
Classification: Uncertain significance. Last evaluated: 2025-07-23. Review status: criteria provided, single submitter. Criteria: Invitae Variant Classification Sherloc (09022015). Collection method: clinical testing. Allele origin: germline.
Comment: This sequence change replaces tyrosine, which is neutral and polar, with asparagine, which is neutral and polar, at codon 1310 of the DSCAML1 protein (p.Tyr1310Asn). This variant is not present in population databases (gnomAD no frequency). This variant has not been reported in the literature in individuals affected with DSCAML1-related conditions. An algorithm developed to predict the effect of missense changes on protein structure and function (PolyPhen-2) suggests that this variant is likely to be disruptive. In summary, the available evidence is currently insufficient to determine the role of this variant in disease. Therefore, it has been classified as a Variant of Uncertain Significance.